The following is an entry in ClinVar:

NM_002661.5(PLCG2):c.989A>T (p.Tyr330Phe)

Gene: PLCG2 (phospholipase C gamma 2; plus strand). Cytogenetic location: 16q23.3.
Variant type: single nucleotide variant.
Coding change: c.989A>T on transcript NM_002661.5 (MANE Select); coding-DNA position 989, A replaced by T.
Protein change: p.Tyr330Phe; replaces tyrosine 330 with phenylalanine.
Molecular consequence: missense variant.
Genome position (GRCh38, 1-based): chr16:81,893,711, A>T. VCF-style: chr16-81893711-A-T. GRCh37 (hg19) VCF-style: chr16-81927316-A-T.
Other names: short protein forms Y330F.
Identifiers: ClinVar variation 1308932 (VCV001308932.2), dbSNP rs2143609334, ClinGen allele CA396898465.

ClinVar aggregate classification (germline): Uncertain significance (1 of 4 stars; one submission).

Submission:

GeneDx
Classification: Uncertain significance. Last evaluated: 2019-10-07. Review status: criteria provided, single submitter. Criteria: GeneDx Variant Classification Process June 2021. Collection method: clinical testing. Allele origin: germline. Affected: yes.
Comment: Not observed in large population cohorts (Lek et al., 2016); In silico analysis, which includes protein predictors and evolutionary conservation, supports a deleterious effect; Has not been previously published as pathogenic or benign to our knowledge